The following is an entry in ClinVar:

ClinVar aggregate classification (germline): Uncertain significance (1 of 4 stars; one submission).

Allele frequency attached by ClinVar (database versions not stated): ExAC 0.00001; gnomAD 0.00001; TOPMed 0.00003.

Submission:

Labcorp Genetics (formerly Invitae), Labcorp
Classification: Uncertain significance. Last evaluated: 2023-01-01. Review status: criteria provided, single submitter. Criteria: Invitae Variant Classification Sherloc (09022015). Collection method: clinical testing. Allele origin: germline.
Comment: This sequence change replaces proline, which is neutral and non-polar, with leucine, which is neutral and non-polar, at codon 100 of the KL protein (p.Pro100Leu). This variant is present in population databases (rs754625891, gnomAD 0.01%). This variant has not been reported in the literature in individuals affected with KL-related conditions. Algorithms developed to predict the effect of missense changes on protein structure and function output the following: SIFT: "Tolerated"; PolyPhen-2: "Benign"; Align-GVGD: "Class C0". The leucine amino acid residue is found in multiple mammalian species, which suggests that this missense change does not adversely affect protein function. In summary, the available evidence is currently insufficient to determine the role of this variant in disease. Therefore, it has been classified as a Variant of Uncertain Significance.

NM_004795.4(KL):c.299C>T (p.Pro100Leu)

Gene: KL (klotho; plus strand). Cytogenetic location: 13q13.1.
Variant type: single nucleotide variant.
Coding change: c.299C>T on transcript NM_004795.4 (MANE Select); coding-DNA position 299, C replaced by T.
Protein change: p.Pro100Leu; replaces proline 100 with leucine.
Molecular consequence: missense variant.
Genome position (GRCh38, 1-based): chr13:33,016,739, C>T. VCF-style: chr13-33016739-C-T. GRCh37 (hg19) VCF-style: chr13-33590877-C-T.
Other names: short protein forms P100L.
Identifiers: ClinVar variation 2981867 (VCV002981867.3), dbSNP rs754625891, ClinGen allele CA6943861.
Genomic context (GRCh38, chr13:33,016,739, plus strand): 5'-GGCAGCAGCACGGCAAGGGTGCGTCCATCTGGGATACGTTCACCCACCACCCCCTGGCAC[C>T]CCCGGGAGACTCCCGGAACGCCAGTCTGCCGTTGGGCGCCCCGTCGCCGCTGCAGCCCGC-3'
Protein context (NP_004786.2, residues 90-110): WDTFTHHPLA[Pro100Leu]PGDSRNASLP